The following is an entry in ClinVar:

NM_001854.4(COL11A1):c.4174A>G (p.Thr1392Ala)

Gene: COL11A1 (collagen type XI alpha 1 chain; minus strand). Cytogenetic location: 1p21.1.
Variant type: single nucleotide variant.
Coding change: c.4174A>G on transcript NM_001854.4 (MANE Select); coding-DNA position 4174, A replaced by G.
Protein change: p.Thr1392Ala; replaces threonine 1392 with alanine.
Molecular consequence: missense variant. On other transcripts: non-coding transcript variant (1).
Genome position (GRCh38, 1-based): chr1:102,898,740, T>C on the plus strand (A>G on the coding strand, the complement: COL11A1 is on the minus strand). VCF-style: chr1-102898740-T-C. GRCh37 (hg19) VCF-style: chr1-103364296-T-C.
Other names: c.4057A>G, p.Thr1353Ala (NM_001190709.2); c.4210A>G, p.Thr1404Ala (NM_080629.3); c.3826A>G, p.Thr1276Ala (NM_080630.4); short protein forms T1276A, T1353A, T1392A, T1404A.
Identifiers: ClinVar variation 4744665 (VCV004744665.1).

ClinVar aggregate classification (germline): Uncertain significance (1 of 4 stars; one submission).

Submission:

Labcorp Genetics (formerly Invitae), Labcorp
Classification: Uncertain significance. Last evaluated: 2025-12-01. Review status: criteria provided, single submitter. Criteria: Invitae Variant Classification Sherloc (09022015). Collection method: clinical testing. Allele origin: germline.
Comment: This sequence change replaces threonine, which is neutral and polar, with alanine, which is neutral and non-polar, at codon 1392 of the COL11A1 protein (p.Thr1392Ala). This variant is not present in population databases (gnomAD no frequency). This variant has not been reported in the literature in individuals affected with COL11A1-related conditions. Invitae Evidence Modeling of protein sequence and biophysical properties (such as structural, functional, and spatial information, amino acid conservation, physicochemical variation, residue mobility, and thermodynamic stability) indicates that this missense variant is not expected to disrupt COL11A1 protein function with a negative predictive value of 80%. In summary, the available evidence is currently insufficient to determine the role of this variant in disease. Therefore, it has been classified as a Variant of Uncertain Significance.